The following is an entry in ClinVar:

NM_006017.3(PROM1):c.2077-521A>G

Gene: PROM1 (prominin 1; minus strand). Cytogenetic location: 4p15.32.
Variant type: single nucleotide variant.
Coding change: c.2077-521A>G on transcript NM_006017.3 (MANE Select); 521 bases into the intron before coding-DNA position 2077, A replaced by G.
Molecular consequence: intron variant.
Genome position (GRCh38, 1-based): chr4:15,988,237, T>C on the plus strand (A>G on the coding strand, the complement: PROM1 is on the minus strand). VCF-style: chr4-15988237-T-C. GRCh37 (hg19) VCF-style: chr4-15989860-T-C.
Other names: c.2050-521A>G (NM_001145848.2, NM_001145852.2, NM_001145847.2 and 4 more transcripts); c.2077-521A>G (NM_001145850.2, NM_001145849.2).
Identifiers: ClinVar variation 190373 (VCV000190373.6), dbSNP rs796051882, ClinGen allele CA203986.

ClinVar aggregate classification (germline): Conflicting classifications of pathogenicity. Review status: criteria provided, conflicting classifications (1 of 4 stars). 4 submissions from 4 submitters: Pathogenic (2); Uncertain significance (1). 1 of the submissions does not count toward it. Last evaluated 2024-02-16.

Conditions:
PROM1-related disorder. Also called: PROM1-related disorders; PROM1-related condition.
Cone-rod dystrophy 2 (CORD2). Also called: CONE-ROD RETINAL DYSTROPHY; Cone-rod retinal dystrophy 2. Identifiers: Orphanet 1872, MedGen C3489532, MONDO:0007362, OMIM 120970.

Allele frequency attached by ClinVar (database versions not stated): gnomAD 0.00001.
gnomAD v4.1: 1 of 152,098 alleles (0.00066%); highest among the groups gnomAD compares: Non-Finnish European, 0.0015%; no homozygotes.

Submissions (4):

Labcorp Genetics (formerly Invitae), Labcorp
Classification: Uncertain significance. Last evaluated: 2024-02-16. Review status: criteria provided, single submitter. Criteria: Invitae Variant Classification Sherloc (09022015). Collection method: clinical testing. Allele origin: germline.
Comment: This sequence change falls in intron 18 of the PROM1 gene. It does not directly change the encoded amino acid sequence of the PROM1 protein. This variant is not present in population databases (gnomAD no frequency). This variant has been observed in individual(s) with autosomal recessive PROM1-related conditions (PMID: 26153215). It has also been observed to segregate with disease in related individuals. ClinVar contains an entry for this variant (Variation ID: 190373). Studies have shown that this variant alters mRNA splicing and is expected to lead to the loss of protein expression (PMID: 26153215). In summary, the available evidence is currently insufficient to determine the role of this variant in disease. Therefore, it has been classified as a Variant of Uncertain Significance.

Blueprint Genetics
Classification: Pathogenic for PROM1-related disorders. Last evaluated: 2022-10-07. Review status: criteria provided, single submitter. Criteria: ACMG Guidelines, 2015. Collection method: clinical testing. Allele origin: germline. Affected: yes. Observed: 4 variant alleles.

Molecular Genetics Laboratory, Institute for Ophthalmic Research
Classification: Pathogenic for Cone-rod dystrophy 2. Last evaluated: 2014-12-01. Review status: criteria provided, single submitter. Criteria: Submitter's publication. Collection method: research. Allele origin: inherited. Affected: yes.

Laboratory of Genetics in Ophthalmology, Institut Imagine
Classification: Pathogenic for Cone-rod dystrophy 2. Review status: no assertion criteria provided. Collection method: research. Allele origin: inherited. Affected: yes. Observed: 1 variant allele. Not counted in ClinVar's aggregate classification.

Literature cited by the submitters: PubMed 26153215 (cited by Labcorp Genetics (formerly Invitae), Labcorp and Laboratory of Genetics in Ophthalmology, Institut Imagine).